The following is an entry in ClinVar:

ClinVar aggregate classification (germline): Pathogenic. Review status: criteria provided, multiple submitters, no conflicts (2 of 4 stars). 6 submissions from 6 submitters: Pathogenic (6). Last evaluated 2026-03-01.

Conditions:
Hereditary spherocytosis type 3. Also called: Spherocytosis type 3; SPTA1-Related Spherocytosis. Identifiers: Orphanet 822, MedGen C2678338, MONDO:0010053, OMIM 270970.

gnomAD v4.1: 4 of 1,614,004 alleles (0.00025%); highest among the groups gnomAD compares: Non-Finnish European, 0.00034%; no homozygotes.

Submissions (6):

CeGaT Center for Human Genetics Tuebingen
Classification: Pathogenic. Last evaluated: 2026-03-01. Review status: criteria provided, single submitter. Criteria: CeGaT Center For Human Genetics Tuebingen Variant Classification Criteria Version 2. Collection method: clinical testing. Allele origin: germline. Affected: yes. Observed: 2 variant alleles.
Comment: SPTA1: PM3:Very Strong, PVS1, PM2

Labcorp Genetics (formerly Invitae), Labcorp
Classification: Pathogenic. Last evaluated: 2025-07-06. Review status: criteria provided, single submitter. Criteria: Invitae Variant Classification Sherloc (09022015). Collection method: clinical testing. Allele origin: germline.
Comment: This sequence change creates a premature translational stop signal (p.Arg1047*) in the SPTA1 gene. It is expected to result in an absent or disrupted protein product. Loss-of-function variants in SPTA1 are known to be pathogenic (PMID: 9192783, 18815189, 31333484, 31723846, 32266426). This variant is not present in population databases (gnomAD no frequency). This premature translational stop signal has been observed in individual(s) with spherocytosis (PMID: 31038472, 31602632). ClinVar contains an entry for this variant (Variation ID: 1162868). For these reasons, this variant has been classified as Pathogenic.

Mayo Clinic Laboratories, Mayo Clinic
Classification: Pathogenic. Last evaluated: 2025-04-08. Review status: criteria provided, single submitter. Criteria: ACMG Guidelines, 2015. Collection method: clinical testing. Allele origin: germline. Observed: 4 variant alleles.

Revvity Omics, Revvity
Classification: Pathogenic. Last evaluated: 2024-11-27. Review status: criteria provided, single submitter. Criteria: ACMG Guidelines, 2015. Collection method: clinical testing. Allele origin: germline.

GeneDx
Classification: Pathogenic. Last evaluated: 2024-10-10. Review status: criteria provided, single submitter. Criteria: GeneDx Variant Classification Process June 2021. Collection method: clinical testing. Allele origin: germline.
Comment: Nonsense variant predicted to result in protein truncation or nonsense mediated decay in a gene for which loss of function is a known mechanism of disease; Not observed at significant frequency in large population cohorts (gnomAD); This variant is associated with the following publications: (PMID: 31038472, 31602632)

3billion
Classification: Pathogenic for Hereditary spherocytosis type 3. Last evaluated: 2022-05-22. Review status: criteria provided, single submitter. Criteria: ACMG Guidelines, 2015. Collection method: clinical testing. Allele origin: germline. Affected: yes. Observed: 1 heterozygote.
Comment: The variant is not observed in the gnomAD v2.1.1 dataset. Stop-gained (nonsense): predicted to result in a loss or disruption of normal protein function through nonsense-mediated decay (NMD) or protein truncation. Multiple pathogenic variants are reported downstream of the variant. The variant has been reported to be associated with SPTA1 related disorder (ClinVar ID: VCV001162868). Therefore, this variant is classified as pathogenic according to the recommendation of ACMG/AMP guideline.

Literature cited by the submitters: PubMed 9192783 (cited by Labcorp Genetics (formerly Invitae), Labcorp); PubMed 18815189 (cited by Labcorp Genetics (formerly Invitae), Labcorp); PubMed 31333484 (cited by Labcorp Genetics (formerly Invitae), Labcorp); PubMed 31723846 (cited by Labcorp Genetics (formerly Invitae), Labcorp); PubMed 32266426 (cited by Labcorp Genetics (formerly Invitae), Labcorp); PubMed 31038472 (cited by Labcorp Genetics (formerly Invitae), Labcorp and Mayo Clinic Laboratories, Mayo Clinic); PubMed 31602632 (cited by Labcorp Genetics (formerly Invitae), Labcorp and Mayo Clinic Laboratories, Mayo Clinic).

NM_003126.4(SPTA1):c.3139C>T (p.Arg1047Ter)

Gene: SPTA1 (spectrin alpha, erythrocytic 1; minus strand). Cytogenetic location: 1q23.1.
Variant type: single nucleotide variant.
Coding change: c.3139C>T on transcript NM_003126.4 (MANE Select); coding-DNA position 3139, C replaced by T.
Protein change: p.Arg1047Ter; replaces arginine 1047 with a stop codon.
Molecular consequence: nonsense.
Genome position (GRCh38, 1-based): chr1:158,653,323, G>A on the plus strand (C>T on the coding strand, the complement: SPTA1 is on the minus strand). VCF-style: chr1-158653323-G-A. GRCh37 (hg19) VCF-style: chr1-158623113-G-A.
Other names: short protein forms R1047*.
Identifiers: ClinVar variation 1162868 (VCV001162868.17), dbSNP rs762088983, ClinGen allele CA343037995.